The following is an entry in ClinVar:

NM_138694.4(PKHD1):c.1830T>G (p.Tyr610Ter)

Gene: PKHD1 (PKHD1 ciliary IPT domain containing fibrocystin/polyductin; minus strand). Cytogenetic location: 6p12.2.
Variant type: single nucleotide variant.
Coding change: c.1830T>G on transcript NM_138694.4 (MANE Select); coding-DNA position 1830, T replaced by G.
Protein change: p.Tyr610Ter; replaces tyrosine 610 with a stop codon.
Molecular consequence: nonsense.
Genome position (GRCh38, 1-based): chr6:52,055,593, A>C on the plus strand (T>G on the coding strand, the complement: PKHD1 is on the minus strand). VCF-style: chr6-52055593-A-C. GRCh37 (hg19) VCF-style: chr6-51920391-A-C.
Other names: c.1830T>G, p.Tyr610Ter (NM_170724.3); short protein forms Y610*.
Identifiers: ClinVar variation 4816591 (VCV004816591.2).

ClinVar aggregate classification (germline): Pathogenic/Likely pathogenic. Review status: criteria provided, multiple submitters, no conflicts (2 of 4 stars). 2 submissions from 2 submitters: Pathogenic (1); Likely pathogenic (1). Last evaluated 2025-08-26.

Conditions:
Autosomal recessive polycystic kidney disease (ARPKD). Also called: AR polycystic kidney disease. Identifiers: Orphanet 731, Orphanet 8378, MedGen C0085548, MeSH D017044, MONDO:0009889.
Polycystic kidney disease 4 (PKD4). Also called: Autosomal Recessive Polycystic Kidney Disease – PKHD1; POLYCYSTIC KIDNEY AND HEPATIC DISEASE 1; POLYCYSTIC KIDNEY DISEASE, INFANTILE, TYPE I; POLYCYSTIC KIDNEY DISEASE 4 WITH OR WITHOUT POLYCYSTIC LIVER DISEASE; PKD3. Identifiers: MedGen C4540575, MONDO:0033004, OMIM 263200.

Submissions (2):

Natera, Inc.
Classification: Likely pathogenic for Autosomal recessive polycystic kidney disease. Last evaluated: 2025-08-26. Review status: criteria provided, single submitter. Criteria: Natera Variant Classification Schema (03/2026). Collection method: clinical testing. Allele origin: germline.
Comment: The c.1830T>G variant in PKHD1 is a nonsense variant predicted to introduce a stop codon at amino acid 610. This variant is expected to result in nonsense mediated decay, truncation, or a dysfunctional protein product. This variant is rare in the general population with a frequency below the threshold expected for the associated phenotype(s). Given the available evidence, this variant is classified as Likely Pathogenic.

Myriad Genetics, Inc.
Classification: Pathogenic for Polycystic kidney disease 4. Last evaluated: 2024-05-22. Review status: criteria provided, single submitter. Criteria: Myriad Autosomal Dominant, Autosomal Recessive and X-Linked Classification Criteria (2023). Collection method: clinical testing. Allele origin: unknown.
Comment: NM_138694.3(PKHD1):c.1830T>G(Y610*) is expected to be pathogenic in the context of autosomal recessive polycystic kidney disease, PKHD1-related. This variant is predicted to lead to an abnormal or absent protein product due to the creation of a premature termination codon in PKHD1, a gene where loss-of-function variants are known to be pathogenic. Please note: this variant was assessed in the context of healthy population screening.